The following is an entry in ClinVar:

NM_000282.4(PCCA):c.1856G>C (p.Arg619Pro)

Gene: PCCA (propionyl-CoA carboxylase subunit alpha; plus strand). Cytogenetic location: 13q32.3.
Variant type: single nucleotide variant.
Coding change: c.1856G>C on transcript NM_000282.4 (MANE Select); coding-DNA position 1856, G replaced by C.
Protein change: p.Arg619Pro; replaces arginine 619 with proline.
Molecular consequence: missense variant. On other transcripts: non-coding transcript variant (5), intron variant (2).
Genome position (GRCh38, 1-based): chr13:100,449,262, G>C. VCF-style: chr13-100449262-G-C. GRCh37 (hg19) VCF-style: chr13-101101516-G-C.
Other names: c.1778G>C, p.Arg593Pro (NM_001127692.3, NM_001352607.2); c.1856G>C, p.Arg619Pro (NM_001178004.2, NM_001352609.2); c.1712G>C, p.Arg571Pro (NM_001352606.2); c.1634G>C, p.Arg545Pro (NM_001352608.2); c.911G>C, p.Arg304Pro (NM_001352610.2); c.767G>C, p.Arg256Pro (NM_001352612.2); c.1845+23531G>C (NM_001352605.2); c.900+23531G>C (NM_001352611.2); and 1 more; short protein forms R619P, R256P, R304P, R545P, R571P, R593P.
Identifiers: ClinVar variation 2153162 (VCV002153162.3), dbSNP rs530945778, ClinGen allele CA7033816.

ClinVar aggregate classification (germline): Uncertain significance. Review status: criteria provided, multiple submitters, no conflicts (2 of 4 stars). 2 submissions from 2 submitters: Uncertain significance (2). Last evaluated 2025-11-20.

Conditions:
Propionic acidemia (PROP). Also called: GLYCINEMIA, KETOTIC; HYPERGLYCINEMIA WITH KETOACIDOSIS AND LEUKOPENIA; KETOTIC HYPERGLYCINEMIA. Identifiers: Orphanet 35, MedGen C0268579, MONDO:0011628, OMIM 606054, HP:0003571.
Inborn genetic diseases. Identifiers: MedGen C0950123, MeSH D030342.

Allele frequency attached by ClinVar (database versions not stated): ExAC 0.00005; 1000 Genomes Project 30x 0.00016; 1000 Genomes Project 0.00020.
gnomAD v4.1: 8 of 1,538,588 alleles (0.00052%); highest among the groups gnomAD compares: Admixed American, 0.016%; no homozygotes.

Submissions (2):

Ambry Genetics
Classification: Uncertain significance for Inborn genetic diseases. Last evaluated: 2025-11-20. Review status: criteria provided, single submitter. Criteria: Ambry Variant Classification Scheme 2023. Collection method: clinical testing. Allele origin: germline.

Labcorp Genetics (formerly Invitae), Labcorp
Classification: Uncertain significance for Propionic acidemia. Last evaluated: 2024-01-15. Review status: criteria provided, single submitter. Criteria: Invitae Variant Classification Sherloc (09022015). Collection method: clinical testing. Allele origin: germline.
Comment: This sequence change replaces arginine, which is basic and polar, with proline, which is neutral and non-polar, at codon 619 of the PCCA protein (p.Arg619Pro). This variant is present in population databases (rs530945778, gnomAD 0.03%). This variant has not been reported in the literature in individuals affected with PCCA-related conditions. ClinVar contains an entry for this variant (Variation ID: 2153162). Advanced modeling of protein sequence and biophysical properties (such as structural, functional, and spatial information, amino acid conservation, physicochemical variation, residue mobility, and thermodynamic stability) has been performed at Invitae for this missense variant, however the output from this modeling did not meet the statistical confidence thresholds required to predict the impact of this variant on PCCA protein function. In summary, the available evidence is currently insufficient to determine the role of this variant in disease. Therefore, it has been classified as a Variant of Uncertain Significance.